The following is an entry in ClinVar:

NM_001355436.2(SPTB):c.1773C>G (p.Thr591=)

Gene: SPTB (spectrin beta, erythrocytic; minus strand). Cytogenetic location: 14q23.3.
Variant type: single nucleotide variant.
Coding change: c.1773C>G on transcript NM_001355436.2 (MANE Select); coding-DNA position 1773, C replaced by G.
Protein change: p.Thr591=; no amino-acid change (threonine 591 retained).
Molecular consequence: synonymous variant.
Genome position (GRCh38, 1-based): chr14:64,794,489, G>C on the plus strand (C>G on the coding strand, the complement: SPTB is on the minus strand). VCF-style: chr14-64794489-G-C. GRCh37 (hg19) VCF-style: chr14-65261207-G-C.
Other names: c.1773C>G (NM_001024858.2); c.1773C>G, p.Thr591= (NM_001024858.4, NM_001355437.2).
Identifiers: ClinVar variation 1330861 (VCV001330861.11), dbSNP rs565667858, ClinGen allele CA7231023.

ClinVar aggregate classification (germline): Benign/Likely benign. Review status: criteria provided, multiple submitters, no conflicts (2 of 4 stars). 3 submissions from 3 submitters: Benign (1); Likely benign (2). Last evaluated 2026-08-04.

Conditions:
SPTB-related disorder. Also called: SPTB-related condition; SPTB-Related Disorders.

Allele frequency attached by ClinVar (database versions not stated): ExAC 0.00009; gnomAD exomes 0.00010; 1000 Genomes Project 30x 0.00031; 1000 Genomes Project 0.00040.
gnomAD v4.1: 56 of 1,614,162 alleles (0.0035%); highest among the groups gnomAD compares: South Asian, 0.055%; 1 homozygote.

Submissions (3):

PreventionGenetics, part of Exact Sciences
Classification: Likely benign for SPTB-related condition. Last evaluated: 2026-08-04. Review status: criteria provided, single submitter. Criteria: ACMG Guidelines, 2015. Collection method: clinical testing. Allele origin: germline.
Comment: This variant is classified as likely benign based on ACMG/AMP sequence variant interpretation guidelines (Richards et al. 2015 PMID: 25741868, with internal and published modifications).

Labcorp Genetics (formerly Invitae), Labcorp
Classification: Benign. Last evaluated: 2023-12-18. Review status: criteria provided, single submitter. Criteria: Invitae Variant Classification Sherloc (09022015). Collection method: clinical testing. Allele origin: germline.

ARUP Laboratories, Molecular Genetics and Genomics, ARUP Laboratories
Classification: Likely benign. Last evaluated: 2020-10-07. Review status: criteria provided, single submitter. Criteria: ARUP Molecular Germline Variant Investigation Process 2021. Collection method: clinical testing. Allele origin: germline.